The following is an entry in ClinVar:

ClinVar aggregate classification (germline): Uncertain significance (1 of 4 stars; one submission).

Submission:

Labcorp Genetics (formerly Invitae), Labcorp
Classification: Uncertain significance. Last evaluated: 2022-08-09. Review status: criteria provided, single submitter. Criteria: Invitae Variant Classification Sherloc (09022015). Collection method: clinical testing. Allele origin: germline.
Comment: This sequence change replaces aspartic acid, which is acidic and polar, with valine, which is neutral and non-polar, at codon 264 of the OTOG protein (p.Asp264Val). In summary, the available evidence is currently insufficient to determine the role of this variant in disease. Therefore, it has been classified as a Variant of Uncertain Significance. Algorithms developed to predict the effect of sequence changes on RNA splicing suggest that this variant may create or strengthen a splice site. Algorithms developed to predict the effect of missense changes on protein structure and function are either unavailable or do not agree on the potential impact of this missense change (SIFT: "Deleterious"; PolyPhen-2: "Probably Damaging"; Align-GVGD: "Class C0"). ClinVar contains an entry for this variant (Variation ID: 1358524). This variant has not been reported in the literature in individuals affected with OTOG-related conditions. This variant is not present in population databases (gnomAD no frequency).

NM_001292063.2(OTOG):c.755A>T (p.Asp252Val)

Gene: OTOG (otogelin; plus strand). Cytogenetic location: 11p15.1.
Variant type: single nucleotide variant.
Coding change: c.755A>T on transcript NM_001292063.2 (MANE Select); coding-DNA position 755, A replaced by T.
Protein change: p.Asp252Val; replaces aspartic acid 252 with valine.
Molecular consequence: missense variant.
Genome position (GRCh38, 1-based): chr11:17,557,213, A>T. VCF-style: chr11-17557213-A-T. GRCh37 (hg19) VCF-style: chr11-17578760-A-T.
Other names: c.791A>T, p.Asp264Val (NM_001277269.2); short protein forms D264V, D252V.
Identifiers: ClinVar variation 1358524 (VCV001358524.8), dbSNP rs2134004261, ClinGen allele CA379813759.